The following is an entry in ClinVar:

NM_170707.4(LMNA):c.937-2A>G

Gene: LMNA (lamin A/C; plus strand). Cytogenetic location: 1q22.
Variant type: single nucleotide variant.
Coding change: c.937-2A>G on transcript NM_170707.4 (MANE Select); the canonical splice acceptor site of the intron before coding-DNA position 937, A replaced by G.
Molecular consequence: splice acceptor variant. On other transcripts: missense variant (4).
Genome position (GRCh38, 1-based): chr1:156,135,899, A>G. VCF-style: chr1-156135899-A-G. GRCh37 (hg19) VCF-style: chr1-156105690-A-G.
Other names: c.937-2A>G (NM_170707.3, NM_001406983.1, NM_001282625.2 and 7 more transcripts); c.311A>G, p.Gln104Arg (NM_001406994.1, NM_001406999.1, NM_001407000.1 and 1 more transcripts); c.379-2A>G (NM_001407002.1, NM_001406993.1, NM_001407003.1 and 4 more transcripts); c.694-2A>G (NM_001406986.1, NM_001406987.1, NM_001282624.2); c.601-2A>G (NM_001406989.1, NM_001257374.3, NM_001406998.1); c.640-2A>G (NM_001406988.1); short protein forms Q104R.
Identifiers: ClinVar variation 1766724 (VCV001766724.6), dbSNP rs2527988932, ClinGen allele CA342819702.

ClinVar aggregate classification (germline): Pathogenic/Likely pathogenic. Review status: criteria provided, multiple submitters, no conflicts (2 of 4 stars). 4 submissions from 4 submitters: Pathogenic (1); Likely pathogenic (3). Last evaluated 2025-11-03.

Conditions:
Cardiovascular phenotype. Identifiers: MedGen CN230736.
Charcot-Marie-Tooth disease type 2. Also called: Charcot-Marie-Tooth type 2. Identifiers: Orphanet 64746, MedGen C0270914, MONDO:0018993.

Submissions (4):

Labcorp Genetics (formerly Invitae), Labcorp
Classification: Likely pathogenic for Charcot-Marie-Tooth disease type 2. Last evaluated: 2025-11-03. Review status: criteria provided, single submitter. Criteria: Invitae Variant Classification Sherloc (09022015). Collection method: clinical testing. Allele origin: germline.
Comment: This sequence change affects an acceptor splice site in intron 5 of the LMNA gene. It is expected to disrupt RNA splicing. Variants that disrupt the donor or acceptor splice site typically lead to a loss of protein function (PMID: 16199547), and loss-of-function variants in LMNA are known to be pathogenic (PMID: 18585512, 18926329). This variant is not present in population databases (gnomAD no frequency). This variant has not been reported in the literature in individuals affected with LMNA-related conditions. ClinVar contains an entry for this variant (Variation ID: 1766724). Algorithms developed to predict the effect of sequence changes on RNA splicing suggest that this variant may disrupt the consensus splice site. In summary, the currently available evidence indicates that the variant is pathogenic, but additional data are needed to prove that conclusively. Therefore, this variant has been classified as Likely Pathogenic.

GeneDx
Classification: Pathogenic. Last evaluated: 2024-12-31. Review status: criteria provided, single submitter. Criteria: GeneDx Variant Classification Process June 2021. Collection method: clinical testing. Allele origin: germline. Affected: yes.
Comment: Has not been previously published as pathogenic or benign to our knowledge; Not observed at significant frequency in large population cohorts (gnomAD); Canonical splice site variant predicted to result in a null allele in a gene for which loss of function is a known mechanism of disease

Molecular Diagnostic Laboratory for Inherited Cardiovascular Disease, Montreal Heart Institute
Classification: Likely pathogenic for Cardiovascular phenotype. Last evaluated: 2023-12-22. Review status: criteria provided, single submitter. Criteria: ACMG Guidelines, 2015. Collection method: clinical testing. Allele origin: germline. Affected: yes.
Comment: PVS1, PM2

Ambry Genetics
Classification: Likely pathogenic for Cardiovascular phenotype. Last evaluated: 2023-08-31. Review status: criteria provided, single submitter. Criteria: Ambry Variant Classification Scheme 2023. Collection method: clinical testing. Allele origin: germline.
Comment: The c.937-2A>G intronic variant results from an A to G substitution two nucleotides before coding exon 6 of the LMNA gene. This variant is considered to be rare based on population cohorts in the Genome Aggregation Database (gnomAD). This nucleotide position is highly conserved in available vertebrate species. In silico splice site analysis predicts that this alteration will weaken the native splice acceptor site and will result in the creation or strengthening of a novel splice acceptor site. Alterations that disrupt the canonical splice site are expected to cause aberrant splicing, resulting in an abnormal protein or a transcript that is subject to nonsense-mediated mRNA decay. As such, this alteration is classified as likely pathogenic.

Literature cited by the submitters: PubMed 16199547 (cited by Labcorp Genetics (formerly Invitae), Labcorp); PubMed 18585512 (cited by Labcorp Genetics (formerly Invitae), Labcorp); PubMed 18926329 (cited by Labcorp Genetics (formerly Invitae), Labcorp).